The following is an entry in ClinVar:

NM_001369268.1(ACAN):c.649C>T (p.Arg217Trp)

Gene: ACAN (aggrecan; plus strand). Cytogenetic location: 15q26.1.
Variant type: single nucleotide variant.
Coding change: c.649C>T on transcript NM_001369268.1 (MANE Select); coding-DNA position 649, C replaced by T.
Protein change: p.Arg217Trp; replaces arginine 217 with tryptophan.
Molecular consequence: missense variant.
Genome position (GRCh38, 1-based): chr15:88,841,759, C>T. VCF-style: chr15-88841759-C-T. GRCh37 (hg19) VCF-style: chr15-89384990-C-T.
Other names: c.649C>T, p.Arg217Trp (NM_001135.4, NM_001411096.1, NM_001411097.1 and 1 more transcripts); short protein forms R217W.
Identifiers: ClinVar variation 1945613 (VCV001945613.5), dbSNP rs370993153, ClinGen allele CA7719311.

ClinVar aggregate classification (germline): Uncertain significance (1 of 4 stars; one submission).

Allele frequency attached by ClinVar (database versions not stated): gnomAD 0.00001; TOPMed 0.00002; ESP Exome Variant Server 0.00008.
gnomAD v4.1: 15 of 1,613,802 alleles (0.00093%); highest among the groups gnomAD compares: Non-Finnish European, 0.0012%; no homozygotes.

Submission:

Labcorp Genetics (formerly Invitae), Labcorp
Classification: Uncertain significance. Last evaluated: 2025-08-03. Review status: criteria provided, single submitter. Criteria: Invitae Variant Classification Sherloc (09022015). Collection method: clinical testing. Allele origin: germline.
Comment: This sequence change replaces arginine, which is basic and polar, with tryptophan, which is neutral and slightly polar, at codon 217 of the ACAN protein (p.Arg217Trp). This variant is present in population databases (rs370993153, gnomAD 0.004%). This variant has not been reported in the literature in individuals affected with ACAN-related conditions. ClinVar contains an entry for this variant (Variation ID: 1945613). Invitae Evidence Modeling of protein sequence and biophysical properties (such as structural, functional, and spatial information, amino acid conservation, physicochemical variation, residue mobility, and thermodynamic stability) indicates that this missense variant is not expected to disrupt ACAN protein function with a negative predictive value of 80%. In summary, the available evidence is currently insufficient to determine the role of this variant in disease. Therefore, it has been classified as a Variant of Uncertain Significance.